The following is an entry in ClinVar:

ClinVar aggregate classification (germline): Likely benign (1 of 4 stars; one submission).

Submission:

CeGaT Center for Human Genetics Tuebingen
Classification: Likely benign. Last evaluated: 2024-05-01. Review status: criteria provided, single submitter. Criteria: CeGaT Center For Human Genetics Tuebingen Variant Classification Criteria Version 2. Collection method: clinical testing. Allele origin: germline. Affected: yes. Observed: 1 variant allele.
Comment: SCN3A: PM2:Supporting, BP4, BP7

NM_006922.4(SCN3A):c.4902G>A (p.Leu1634=)

Gene: SCN3A (sodium voltage-gated channel alpha subunit 3; minus strand). Cytogenetic location: 2q24.3.
Variant type: single nucleotide variant.
Coding change: c.4902G>A on transcript NM_006922.4 (MANE Select); coding-DNA position 4902, G replaced by A.
Protein change: p.Leu1634=; no amino-acid change (leucine 1634 retained).
Molecular consequence: synonymous variant.
Genome position (GRCh38, 1-based): chr2:165,091,251, C>T on the plus strand (G>A on the coding strand, the complement: SCN3A is on the minus strand). VCF-style: chr2-165091251-C-T. GRCh37 (hg19) VCF-style: chr2-165947761-C-T.
Other names: c.4755G>A, p.Leu1585= (NM_001081676.2, NM_001081677.2).
Identifiers: ClinVar variation 3239355 (VCV003239355.19), dbSNP rs2468042038.